The following is an entry in ClinVar:

ClinVar aggregate classification (germline): Pathogenic (1 of 4 stars; one submission).

Conditions:
Camptomelic dysplasia (CMPD). Also called: Campomelic Dysplasia; CMPD1/SRA1. Identifiers: Orphanet 140, MedGen C1861922, MONDO:0007251, OMIM 114290.

Submission:

Labcorp Genetics (formerly Invitae), Labcorp
Classification: Pathogenic for Camptomelic dysplasia. Last evaluated: 2025-04-16. Review status: criteria provided, single submitter. Criteria: Invitae Variant Classification Sherloc (09022015). Collection method: clinical testing. Allele origin: germline.
Comment: This sequence change creates a premature translational stop signal (p.Phe112Hisfs*139) in the SOX9 gene. While this is not anticipated to result in nonsense mediated decay, it is expected to disrupt the last 398 amino acid(s) of the SOX9 protein. This variant is not present in population databases (gnomAD no frequency). This variant has not been reported in the literature in individuals affected with SOX9-related conditions. ClinVar contains an entry for this variant (Variation ID: 2041795). This variant disrupts a region of the SOX9 protein in which other variant(s) (p.Arg394*) have been determined to be pathogenic (internal data). This suggests that this is a clinically significant region of the protein, and that variants that disrupt it are likely to be disease-causing. For these reasons, this variant has been classified as Pathogenic.

NM_000346.4(SOX9):c.334_335del (p.Phe112fs)

Genes: SOX9 (SRY-box transcription factor 9; plus strand), LOC108021846 (SOX9 promoter region; plus strand). Cytogenetic location: 17q24.3.
Variant type: Deletion.
Coding change: c.334_335del on transcript NM_000346.4 (MANE Select); coding-DNA positions 334 to 335, 2 bases deleted (TT; older notation c.334_335delTT).
Protein change: p.Phe112fs; shifts the reading frame from phenylalanine 112.
Molecular consequence: frameshift variant.
Genome position (GRCh38, 1-based): chr17:72,121,725-72,121,726, TT deleted. VCF-style (leftmost placement, unchanged base first): chr17-72121724-CTT-C. GRCh37 (hg19) VCF-style: chr17-70117865-CTT-C.
Other names: short protein forms F112fs.
Identifiers: ClinVar variation 2041795 (VCV002041795.4), dbSNP rs2509623396, ClinGen allele CA2580095130.
Genomic context (GRCh38, chr17:72,121,724, plus strand): 5'-GCCGGTGCGCGTCAACGGCTCCAGCAAGAACAAGCCGCACGTCAAGCGGCCCATGAACGC[CTT>C]CATGGTGTGGGCGCAGGCGGCGCGCAGGAAGCTCGCGGACCAGTACCCGCACTTGCACAA-3'